The following is an entry in ClinVar:

NM_000543.5(SMPD1):c.739G>C (p.Gly247Arg)

Gene: SMPD1 (sphingomyelin phosphodiesterase 1; plus strand). Cytogenetic location: 11p15.4.
Variant type: single nucleotide variant.
Coding change: c.739G>C on transcript NM_000543.5 (MANE Select); coding-DNA position 739, G replaced by C.
Protein change: p.Gly247Arg; replaces glycine 247 with arginine.
Molecular consequence: missense variant. On other transcripts: 5 prime UTR variant (1), non-coding transcript variant (1).
Genome position (GRCh38, 1-based): chr11:6,391,804, G>C. VCF-style: chr11-6391804-G-C. GRCh37 (hg19) VCF-style: chr11-6413034-G-C.
Other names: c.736G>C, p.Gly246Arg (NM_001007593.3); c.739G>C, p.Gly247Arg (NM_001318087.2, NM_001365135.2); c.-223G>C (NM_001318088.2); short protein forms G246R, G247R.
Identifiers: ClinVar variation 4526042 (VCV004526042.1).

ClinVar aggregate classification (germline): Uncertain significance (1 of 4 stars; one submission).

Submission:

Women's Health and Genetics/Laboratory Corporation of America, LabCorp
Classification: Uncertain significance. Last evaluated: 2025-07-09. Review status: criteria provided, single submitter. Criteria: LabCorp Variant Classification Summary - May 2015. Collection method: clinical testing. Allele origin: germline.
Comment: Variant summary: SMPD1 c.739G>C (p.Gly247Arg) results in a non-conservative amino acid change in the encoded protein sequence. Algorithms developed to predict the effect of missense changes on protein structure and function all suggest that this variant is likely to be disruptive. The variant was absent in 248600 control chromosomes. The available data on variant occurrences in the general population are insufficient to allow any conclusion about variant significance. To our knowledge, no occurrence of c.739G>C in individuals affected with Niemann-Pick Disease and no experimental evidence demonstrating its impact on protein function have been reported. No submitters have cited clinical-significance assessments for this variant to ClinVar. Based on the evidence outlined above, the variant was classified as uncertain significance.